The following is an entry in ClinVar:

ClinVar aggregate classification (germline): Uncertain significance (1 of 4 stars; one submission).

gnomAD v4.1: 2 of 1,602,988 alleles (0.00012%); highest among the groups gnomAD compares: Non-Finnish European, 0.00017%; no homozygotes.

Submission:

Labcorp Genetics (formerly Invitae), Labcorp
Classification: Uncertain significance. Last evaluated: 2025-03-19. Review status: criteria provided, single submitter. Criteria: Invitae Variant Classification Sherloc (09022015). Collection method: clinical testing. Allele origin: germline.
Comment: This sequence change falls in intron 5 of the SYNE4 gene. It does not directly change the encoded amino acid sequence of the SYNE4 protein. It affects a nucleotide within the consensus splice site. This variant is not present in population databases (gnomAD no frequency). This variant has not been reported in the literature in individuals affected with SYNE4-related conditions. Variants that disrupt the consensus splice site are a relatively common cause of aberrant splicing (PMID: 17576681, 9536098). Algorithms developed to predict the effect of sequence changes on RNA splicing suggest that this variant may disrupt the consensus splice site. In summary, the available evidence is currently insufficient to determine the role of this variant in disease. Therefore, it has been classified as a Variant of Uncertain Significance.

Literature cited by the submitters: PubMed 17576681; PubMed 9536098.

NM_001039876.3(SYNE4):c.867+5G>A

Gene: SYNE4 (spectrin repeat containing nuclear envelope family member 4; minus strand). Cytogenetic location: 19q13.12.
Variant type: single nucleotide variant.
Coding change: c.867+5G>A on transcript NM_001039876.3 (MANE Select); 5 bases into the intron after coding-DNA position 867, G replaced by A.
Molecular consequence: intron variant.
Genome position (GRCh38, 1-based): chr19:36,006,418, C>T on the plus strand (G>A on the coding strand, the complement: SYNE4 is on the minus strand). VCF-style: chr19-36006418-C-T. GRCh37 (hg19) VCF-style: chr19-36497320-C-T.
Other names: c.528+5G>A (NM_001297735.3).
Identifiers: ClinVar variation 4767913 (VCV004767913.1).